The following is an entry in ClinVar:

ClinVar aggregate classification (germline): Likely benign (1 of 4 stars; one submission).

gnomAD v4.1: 7 of 1,594,842 alleles (0.00044%); highest among the groups gnomAD compares: Admixed American, 0.012%; no homozygotes.

Submission:

CeGaT Center for Human Genetics Tuebingen
Classification: Likely benign. Last evaluated: 2026-08-01. Review status: criteria provided, single submitter. Criteria: CeGaT Center For Human Genetics Tuebingen Variant Classification Criteria Version 2. Collection method: clinical testing. Allele origin: germline. Affected: yes. Observed: 1 variant allele.
Comment: ADAT3: BP4, BP7

NM_138422.4(ADAT3):c.795C>T (p.Cys265=)

Genes: ADAT3 (adenosine deaminase tRNA specific 3; plus strand), SCAMP4 (secretory carrier membrane protein 4; plus strand). Cytogenetic location: 19p13.3.
Variant type: single nucleotide variant.
Coding change: c.795C>T on transcript NM_138422.4 (MANE Select); coding-DNA position 795, C replaced by T.
Protein change: p.Cys265=; no amino-acid change (cysteine 265 retained).
Molecular consequence: synonymous variant. On other transcripts: intron variant (3).
Genome position (GRCh38, 1-based): chr19:1,912,842, C>T. VCF-style: chr19-1912842-C-T. GRCh37 (hg19) VCF-style: chr19-1912841-C-T.
Other names: c.747C>T, p.Cys249= (NM_001329533.2); c.-41-2137C>T (NM_079834.4, NM_001329540.2); c.-125-4852C>T (NM_001329539.2).
Identifiers: ClinVar variation 5039810 (VCV005039810.1).